The following is an entry in ClinVar:

ClinVar aggregate classification (germline): Uncertain significance (1 of 4 stars; one submission).

Conditions:
Hypertrophic cardiomyopathy 26. Also called: Cardiomyopathy, familial hypertrophic, 26. Identifiers: Orphanet 75249, MedGen C4310749, MONDO:0014883, OMIM 617047.
Myofibrillar myopathy 5. Also called: Filaminopathy (type); FILAMINOPATHY, AUTOSOMAL DOMINANT. Identifiers: Orphanet 171445, MedGen C1836050, MONDO:0012289, OMIM 609524.
Distal myopathy with posterior leg and anterior hand involvement. Also called: WILLIAMS DISTAL MYOPATHY. Identifiers: Orphanet 63273, MedGen C3279722, MONDO:0013550, OMIM 614065.

gnomAD v4.1: 1 of 1,614,020 alleles (0.000062%); highest among the groups gnomAD compares: African/African-American, 0.0013%; no homozygotes.

Submission:

Labcorp Genetics (formerly Invitae), Labcorp
Classification: Uncertain significance for Distal myopathy with posterior leg and anterior hand involvement; Myofibrillar myopathy 5; Hypertrophic cardiomyopathy 26. Last evaluated: 2025-06-04. Review status: criteria provided, single submitter. Criteria: Invitae Variant Classification Sherloc (09022015). Collection method: clinical testing. Allele origin: germline.
Comment: This sequence change replaces glycine, which is neutral and non-polar, with alanine, which is neutral and non-polar, at codon 1297 of the FLNC protein (p.Gly1297Ala). This variant is not present in population databases (gnomAD no frequency). This variant has not been reported in the literature in individuals affected with FLNC-related conditions. Invitae Evidence Modeling of protein sequence and biophysical properties (such as structural, functional, and spatial information, amino acid conservation, physicochemical variation, residue mobility, and thermodynamic stability) has been performed for this missense variant. However, the output from this modeling did not meet the statistical confidence thresholds required to predict the impact of this variant on FLNC protein function. In summary, the available evidence is currently insufficient to determine the role of this variant in disease. Therefore, it has been classified as a Variant of Uncertain Significance.

NM_001458.5(FLNC):c.3890G>C (p.Gly1297Ala)

Gene: FLNC (filamin C; plus strand). Cytogenetic location: 7q32.1.
Variant type: single nucleotide variant.
Coding change: c.3890G>C on transcript NM_001458.5 (MANE Select); coding-DNA position 3890, G replaced by C.
Protein change: p.Gly1297Ala; replaces glycine 1297 with alanine.
Molecular consequence: missense variant.
Genome position (GRCh38, 1-based): chr7:128,846,089, G>C. VCF-style: chr7-128846089-G-C. GRCh37 (hg19) VCF-style: chr7-128486143-G-C.
Other names: c.3890G>C, p.Gly1297Ala (NM_001127487.2); short protein forms G1297A.
Identifiers: ClinVar variation 4812766 (VCV004812766.1).